The following is an entry in ClinVar:

NM_130466.4(UBE3B):c.2810+2_2810+5del

Gene: UBE3B (ubiquitin protein ligase E3B; plus strand). Cytogenetic location: 12q24.11.
Variant type: Deletion.
Coding change: c.2810+2_2810+5del on transcript NM_130466.4 (MANE Select); the canonical splice donor site of the intron after coding-DNA position 2810 through 5 bases into the intron after coding-DNA position 2810, 4 bases deleted (TAAG; older notation c.2810+2_2810+5delTAAG).
Molecular consequence: splice donor variant.
Genome position (GRCh38, 1-based): chr12:109,530,074-109,530,077, TAAG deleted; deleting any 4 consecutive bases within chr12:109,530,071-109,530,077 gives the same sequence; the c. name uses the placement nearest the transcript's 3' end. VCF-style (leftmost placement, unchanged base first): chr12-109530070-AAAGT-A. GRCh37 (hg19) VCF-style: chr12-109967875-AAAGT-A.
Other names: c.2810+2_2810+5del (NM_183415.3).
Identifiers: ClinVar variation 4752922 (VCV004752922.1).

ClinVar aggregate classification (germline): Likely pathogenic (1 of 4 stars; one submission).

Submission:

Labcorp Genetics (formerly Invitae), Labcorp
Classification: Likely pathogenic. Last evaluated: 2025-08-11. Review status: criteria provided, single submitter. Criteria: Invitae Variant Classification Sherloc (09022015). Collection method: clinical testing. Allele origin: germline.
Comment: This sequence change affects a splice site in intron 25 of the UBE3B gene. It is expected to disrupt RNA splicing. Variants that disrupt the donor or acceptor splice site typically lead to a loss of protein function (PMID: 16199547), and loss-of-function variants in UBE3B are known to be pathogenic (PMID: 23687348, 24615390). This variant is not present in population databases (gnomAD no frequency). This variant has not been reported in the literature in individuals affected with UBE3B-related conditions. Algorithms developed to predict the effect of sequence changes on RNA splicing suggest that this variant may disrupt the consensus splice site. In summary, the currently available evidence indicates that the variant is pathogenic, but additional data are needed to prove that conclusively. Therefore, this variant has been classified as Likely Pathogenic.

Literature cited by the submitters: PubMed 16199547; PubMed 23687348; PubMed 24615390.